The following is an entry in ClinVar:

ClinVar aggregate classification (germline): Uncertain significance. Review status: criteria provided, multiple submitters, no conflicts (2 of 4 stars). 2 submissions from 2 submitters: Uncertain significance (2). Last evaluated 2025-01-12.

Conditions:
Inborn genetic diseases. Identifiers: MedGen C0950123, MeSH D030342.

Allele frequency attached by ClinVar (database versions not stated): TOPMed 0.00001.
gnomAD v4.1: 2 of 1,614,064 alleles (0.00012%); no homozygotes.

Submissions (2):

Labcorp Genetics (formerly Invitae), Labcorp
Classification: Uncertain significance. Last evaluated: 2025-01-12. Review status: criteria provided, single submitter. Criteria: Invitae Variant Classification Sherloc (09022015). Collection method: clinical testing. Allele origin: germline.
Comment: This sequence change replaces arginine, which is basic and polar, with serine, which is neutral and polar, at codon 96 of the TAB2 protein (p.Arg96Ser). This variant is not present in population databases (gnomAD no frequency). This variant has not been reported in the literature in individuals affected with TAB2-related conditions. ClinVar contains an entry for this variant (Variation ID: 3173213). Invitae Evidence Modeling of protein sequence and biophysical properties (such as structural, functional, and spatial information, amino acid conservation, physicochemical variation, residue mobility, and thermodynamic stability) indicates that this missense variant is not expected to disrupt TAB2 protein function with a negative predictive value of 80%. In summary, the available evidence is currently insufficient to determine the role of this variant in disease. Therefore, it has been classified as a Variant of Uncertain Significance.

Ambry Genetics
Classification: Uncertain significance for Inborn genetic diseases. Last evaluated: 2024-01-03. Review status: criteria provided, single submitter. Criteria: Ambry Variant Classification Scheme 2023. Collection method: clinical testing. Allele origin: germline.

NM_001292034.3(TAB2):c.288G>C (p.Arg96Ser)

Gene: TAB2 (TGF-beta activated kinase 1 (MAP3K7) binding protein 2; plus strand). Cytogenetic location: 6q25.1.
Variant type: single nucleotide variant.
Coding change: c.288G>C on transcript NM_001292034.3 (MANE Select); coding-DNA position 288, G replaced by C.
Protein change: p.Arg96Ser; replaces arginine 96 with serine.
Molecular consequence: missense variant.
Genome position (GRCh38, 1-based): chr6:149,378,203, G>C. VCF-style: chr6-149378203-G-C. GRCh37 (hg19) VCF-style: chr6-149699339-G-C.
Other names: c.192G>C, p.Arg64Ser (NM_001292035.3); c.288G>C, p.Arg96Ser (NM_001369506.1, NM_015093.6); short protein forms R64S, R96S.
Identifiers: ClinVar variation 3173213 (VCV003173213.3), dbSNP rs1781470440, ClinGen allele CA365993246.